The following is an entry in ClinVar:

NM_201384.3(PLEC):c.5761C>T (p.Arg1921Trp)

Gene: PLEC (plectin; minus strand). Cytogenetic location: 8q24.3.
Variant type: single nucleotide variant.
Coding change: c.5761C>T on transcript NM_201384.3 (MANE Select); coding-DNA position 5761, C replaced by T.
Protein change: p.Arg1921Trp; replaces arginine 1921 with tryptophan.
Molecular consequence: missense variant.
Genome position (GRCh38, 1-based): chr8:143,924,168, G>A on the plus strand (C>T on the coding strand, the complement: PLEC is on the minus strand). VCF-style: chr8-143924168-G-A. GRCh37 (hg19) VCF-style: chr8-144998336-G-A.
Other names: c.5842C>T, p.Arg1948Trp (NM_000445.5); c.5719C>T, p.Arg1907Trp (NM_201378.4); c.5695C>T, p.Arg1899Trp (NM_201379.3); c.6172C>T, p.Arg2058Trp (NM_201380.4); c.5665C>T, p.Arg1889Trp (NM_201381.3); c.5761C>T, p.Arg1921Trp (NM_201382.4); c.5773C>T, p.Arg1925Trp (NM_201383.3); short protein forms R1889W, R1899W, R1907W, R1921W, R1925W, R1948W, R2058W.
Identifiers: ClinVar variation 211914 (VCV000211914.66), dbSNP rs201278290, ClinGen allele CA208198.

ClinVar aggregate classification (germline): Conflicting classifications of pathogenicity. Review status: criteria provided, conflicting classifications (1 of 4 stars). 7 submissions from 7 submitters: Uncertain significance (3); Benign (1); Likely benign (3). Last evaluated 2025-11-24.

Conditions:
PLEC-related disorder. Also called: PLEC-related condition; PLEC-related disorders.
Epidermolysis bullosa simplex with nail dystrophy (EBS5D). Identifiers: MedGen C4225309, MONDO:0014661, OMIM 616487.
Autosomal recessive limb-girdle muscular dystrophy type 2Q (LGMDR17). Also called: MUSCULAR DYSTROPHY, LIMB-GIRDLE, AUTOSOMAL RECESSIVE 17. Identifiers: Orphanet 254361, MedGen C3150989, MONDO:0013390, OMIM 613723.
Epidermolysis bullosa simplex, Ogna type (EBS5A). Also called: Pidermolysis bullosa simplex 5A, Ogna type; EPIDERMOLYSIS BULLOSA SIMPLEX 5A, OGNA TYPE. Identifiers: Orphanet 79401, MedGen C0432317, MONDO:0007555, OMIM 131950.
Epidermolysis bullosa simplex 5B, with muscular dystrophy (EBS5B). Also called: EPIDERMOLYSIS BULLOSA SIMPLEX AND LIMB-GIRDLE MUSCULAR DYSTROPHY; Epidermolysis bullosa simplex with muscular dystrophy. Identifiers: Orphanet 257, MedGen C2931072, MONDO:0009181, OMIM 226670.
Epidermolysis bullosa simplex 5C, with pyloric atresia (EBS5C). Also called: PLEC-Related Epidermolysis Bullosa with Pyloric Atresia; Epidermolysis bullosa simplex with pyloric atresia; PLEC1-Related Epidermolysis Bullosa with Pyloric Atresia. Identifiers: Orphanet 158684, MedGen C2677349, MONDO:0012807, OMIM 612138.

Allele frequency attached by ClinVar (database versions not stated): gnomAD 0.00012 and 0.00017; TOPMed 0.00016; ExAC 0.00035; 1000 Genomes Project 0.00060; 1000 Genomes Project 30x 0.00062.
gnomAD v4.1: 215 of 1,598,984 alleles (0.013%); highest among the groups gnomAD compares: East Asian, 0.37%; 1 homozygote.

Submissions (7):

Labcorp Genetics (formerly Invitae), Labcorp
Classification: Likely benign for Autosomal recessive limb-girdle muscular dystrophy type 2Q; Epidermolysis bullosa simplex, Ogna type; Epidermolysis bullosa simplex with nail dystrophy; Epidermolysis bullosa simplex 5C, with pyloric atresia; Epidermolysis bullosa simplex 5B, with muscular dystrophy. Last evaluated: 2025-11-24. Review status: criteria provided, single submitter. Criteria: Invitae Variant Classification Sherloc (09022015). Collection method: clinical testing. Allele origin: germline.

PreventionGenetics, part of Exact Sciences
Classification: Likely benign for PLEC-related condition. Last evaluated: 2024-12-03. Review status: criteria provided, single submitter. Criteria: ACMG Guidelines, 2015. Collection method: clinical testing. Allele origin: germline.
Comment: This variant is classified as likely benign based on ACMG/AMP sequence variant interpretation guidelines (Richards et al. 2015 PMID: 25741868, with internal and published modifications).

Athena Diagnostics
Classification: Benign. Last evaluated: 2024-08-29. Review status: criteria provided, single submitter. Criteria: Athena Diagnostics Criteria. Collection method: clinical testing. Allele origin: unknown.

Blueprint Genetics
Classification: Likely benign. Last evaluated: 2024-05-08. Review status: criteria provided, single submitter. Criteria: ACMG Guidelines, 2015. Collection method: clinical testing. Allele origin: germline.

Eurofins Ntd Llc (ga)
Classification: Uncertain significance. Last evaluated: 2017-05-04. Review status: criteria provided, single submitter. Criteria: EGL Classification Definitions 2015. Collection method: clinical testing. Allele origin: germline. Observed: 1 variant allele, 1 heterozygote.

CeGaT Center for Human Genetics Tuebingen
Classification: Uncertain significance. Last evaluated: 2017-04-01. Review status: criteria provided, single submitter. Criteria: CeGaT Center For Human Genetics Tuebingen Variant Classification Criteria Version 2. Collection method: clinical testing. Allele origin: germline. Affected: yes. Observed: 1 variant allele.

Genetic Services Laboratory, University of Chicago
Classification: Uncertain significance. Last evaluated: 2014-12-19. Review status: criteria provided, single submitter. Criteria: ACMG Guidelines, 2015. Collection method: clinical testing. Allele origin: germline.